The following is an entry in ClinVar:

NC_000017.10:g.(?_3379295)_(3402701_?)del

Gene: ASPA (aspartoacylase; plus strand). Cytogenetic location: 17p13.2.
Variant type: Deletion.
Identifiers: ClinVar variation 1698457 (VCV001698457.1).

ClinVar aggregate classification (germline): Pathogenic (1 of 4 stars; one submission).

Conditions:
Canavan Disease, Familial Form. Identifiers: MedGen C0751663.

Submission:

Women's Health and Genetics/Laboratory Corporation of America, LabCorp
Classification: Pathogenic for Canavan Disease, Familial Form. Last evaluated: 2022-06-01. Review status: criteria provided, single submitter. Criteria: LabCorp Variant Classification Summary - May 2015. Collection method: clinical testing. Allele origin: germline.
Comment: Variant summary: The variant identified by MLPA or other technology involves the deletion of exons 1-6 (i.e. the full coding sequence) of the ASPA gene. A presumed nomenclature of c.(?_-159)_(*319_?)del has been designated for the purposes of this classification. Since exact breakpoints of this deletion are not known, it might extend beyond the assayed region of the ASPA gene, including other flanking genes. A similar deletion that includes the ASPA gene, and extends downstream about 50 kbp (covering a large part of the TRPV3 gene) was found at a frequency of 4.6e-05 (i.e. 1 allele) in 21694 control chromosomes (gnomAD structural variants dataset). Large deletion variants that involved the ASPA gene together with a large part of the downstream gene (TRPV3) have been reported in the literature in multiple homozygous and compound heterozygous individuals affected with Canavan Disease (Zeng_2006, Kaya_2008, Caliebe_2010, Cozzolino_2011). These data indicate that the variant is very likely to be associated with disease. One clinical diagnostic laboratory has submitted clinical-significance assessments for this variant to ClinVar after 2014, and classified the variant as pathogenic. Based on the evidence outlined above, the variant was classified as pathogenic.

Literature cited by the submitters: PubMed 22019069; PubMed 18978679; PubMed 16854607; PubMed 19932039.